The following is an entry in ClinVar:

NM_005633.4(SOS1):c.1570G>A (p.Val524Ile)

Gene: SOS1 (SOS Ras/Rac guanine nucleotide exchange factor 1; minus strand). Cytogenetic location: 2p22.1.
Variant type: single nucleotide variant.
Coding change: c.1570G>A on transcript NM_005633.4 (MANE Select); coding-DNA position 1570, G replaced by A.
Protein change: p.Val524Ile; replaces valine 524 with isoleucine.
Molecular consequence: missense variant.
Genome position (GRCh38, 1-based): chr2:39,022,858, C>T on the plus strand (G>A on the coding strand, the complement: SOS1 is on the minus strand). VCF-style: chr2-39022858-C-T. GRCh37 (hg19) VCF-style: chr2-39249999-C-T.
Other names: c.1549G>A, p.Val517Ile (NM_001382394.1); c.1570G>A, p.Val524Ile (NM_001382395.1); short protein forms V524I, V517I.
Identifiers: ClinVar variation 3710537 (VCV003710537.2).

ClinVar aggregate classification (germline): Uncertain significance (1 of 4 stars; one submission).

Conditions:
RASopathy. Also called: rasopathies; Noonan spectrum disorder. Identifiers: Orphanet 536391, MedGen C5555857, MONDO:0021060.

Submission:

Labcorp Genetics (formerly Invitae), Labcorp
Classification: Uncertain significance for RASopathy. Last evaluated: 2024-04-04. Review status: criteria provided, single submitter. Criteria: Invitae Variant Classification Sherloc (09022015). Collection method: clinical testing. Allele origin: germline.
Comment: This sequence change replaces valine, which is neutral and non-polar, with isoleucine, which is neutral and non-polar, at codon 524 of the SOS1 protein (p.Val524Ile). This variant is not present in population databases (gnomAD no frequency). This variant has not been reported in the literature in individuals affected with SOS1-related conditions. Advanced modeling of protein sequence and biophysical properties (such as structural, functional, and spatial information, amino acid conservation, physicochemical variation, residue mobility, and thermodynamic stability) performed at Invitae indicates that this missense variant is not expected to disrupt SOS1 protein function with a negative predictive value of 95%. In summary, the available evidence is currently insufficient to determine the role of this variant in disease. Therefore, it has been classified as a Variant of Uncertain Significance.